The following is an entry in ClinVar:

ClinVar aggregate classification (germline): Uncertain significance (1 of 4 stars; one submission).

gnomAD v4.1: 1 of 1,614,136 alleles (0.000062%); highest among the groups gnomAD compares: African/African-American, 0.0013%; no homozygotes.

Submission:

GeneDx
Classification: Uncertain significance. Last evaluated: 2026-02-24. Review status: criteria provided, single submitter. Criteria: GeneDx Variant Classification Process June 2021. Collection method: clinical testing. Allele origin: germline.
Comment: Not observed at significant frequency in large population cohorts (gnomAD); In silico analysis supports that this missense variant has a deleterious effect on protein structure/function; Has not been previously published as pathogenic or benign to our knowledge

NM_003098.3(SNTA1):c.1445G>C (p.Cys482Ser)

Gene: SNTA1 (syntrophin alpha 1; minus strand). Cytogenetic location: 20q11.21.
Variant type: single nucleotide variant.
Coding change: c.1445G>C on transcript NM_003098.3 (MANE Select); coding-DNA position 1445, G replaced by C.
Protein change: p.Cys482Ser; replaces cysteine 482 with serine.
Molecular consequence: missense variant.
Genome position (GRCh38, 1-based): chr20:33,408,580, C>G on the plus strand (G>C on the coding strand, the complement: SNTA1 is on the minus strand). VCF-style: chr20-33408580-C-G. GRCh37 (hg19) VCF-style: chr20-31996386-C-G.
Other names: c.1442G>C, p.Cys481Ser (NM_001424413.1); c.1477G>C, p.Val493Leu (NM_001424414.1); short protein forms C481S, V493L, C482S.
Identifiers: ClinVar variation 5009981 (VCV005009981.1).
Genomic context (GRCh38, chr20:33,408,580, plus strand): 5'-CCGAGGCGGGTGACTTTGGCCGACAGGAAGGAGTGGATGATGAAGACTATGGTTTTGGGA[C>G]ACGAGTGCAGGTCCAGCTGCTGGAGGGTGGATGGAGAGAAGAGTCAGGGCCCTGGCCAGC-3'
Protein context (NP_003089.1, residues 472-492): EGEIQLDLHS[Cys482Ser]PKTIVFIIHS